The following is an entry in ClinVar:

ClinVar aggregate classification (germline): Conflicting classifications of pathogenicity. Review status: criteria provided, conflicting classifications (1 of 4 stars). 8 submissions from 8 submitters: Uncertain significance (3); Likely benign (4). 1 of the submissions does not count toward it. Last evaluated 2026-02-01.

Conditions:
GPR179-related disorder. Also called: GPR179-related condition.
Congenital stationary night blindness 1E. Also called: Night blindness, congenital stationary (complete), 1E, autosomal recessive. Identifiers: Orphanet 215, MedGen C3281215, MONDO:0013807, OMIM 614565.

Allele frequency attached by ClinVar (database versions not stated): 1000 Genomes Project 30x 0.00047; 1000 Genomes Project 0.00060; gnomAD exomes 0.00194 and 0.00337; ExAC 0.00195; TOPMed 0.00213; ESP Exome Variant Server 0.00311.
gnomAD v4.1: 5,181 of 1,613,516 alleles (0.32%); highest among the groups gnomAD compares: Non-Finnish European, 0.39%; 11 homozygotes.

Submissions (8):

Labcorp Genetics (formerly Invitae), Labcorp
Classification: Likely benign. Last evaluated: 2026-02-01. Review status: criteria provided, single submitter. Criteria: Invitae Variant Classification Sherloc (09022015). Collection method: clinical testing. Allele origin: germline.

Blueprint Genetics
Classification: Likely benign. Last evaluated: 2024-11-28. Review status: criteria provided, single submitter. Criteria: ACMG Guidelines, 2015. Collection method: clinical testing. Allele origin: germline.

GeneDx
Classification: Uncertain significance. Last evaluated: 2024-06-12. Review status: criteria provided, single submitter. Criteria: GeneDx Variant Classification Process June 2021. Collection method: clinical testing. Allele origin: germline. Affected: yes.
Comment: In silico analysis supports that this missense variant has a deleterious effect on protein structure/function; Has not been previously published as pathogenic or benign to our knowledge

CeGaT Center for Human Genetics Tuebingen
Classification: Likely benign. Last evaluated: 2023-08-01. Review status: criteria provided, single submitter. Criteria: CeGaT Center For Human Genetics Tuebingen Variant Classification Criteria Version 2. Collection method: clinical testing. Allele origin: germline. Affected: yes. Observed: 1 variant allele.
Comment: GPR179: BP4

Fulgent Genetics
Classification: Uncertain significance for Congenital stationary night blindness 1E. Last evaluated: 2018-10-31. Review status: criteria provided, single submitter. Criteria: ACMG Guidelines, 2015. Collection method: clinical testing. Allele origin: unknown.

Illumina Laboratory Services, Illumina
Classification: Likely benign for Congenital stationary night blindness 1E. Last evaluated: 2018-01-12. Review status: criteria provided, single submitter. Criteria: ICSL Variant Classification Criteria 13 December 2019. Collection method: clinical testing. Allele origin: germline.
Comment: This variant was observed in the ICSL laboratory as part of a predisposition screen in an ostensibly healthy population. It had not been previously curated by ICSL or reported in the Human Gene Mutation Database (HGMD: prior to June 1st, 2018), and was therefore a candidate for classification through an automated scoring system. Utilizing variant allele frequency, disease prevalence and penetrance estimates, and inheritance mode, an automated score was calculated to assess if this variant is too frequent to cause the disease. Based on the score and internal cut-off values, a variant classified as likely benign is not then subjected to further curation. The score for this variant resulted in a classification of likely benign for this disease.

Eurofins Ntd Llc (ga)
Classification: Uncertain significance. Last evaluated: 2016-11-11. Review status: criteria provided, single submitter. Criteria: EGL Classification Definitions 2015. Collection method: clinical testing. Allele origin: germline. Observed: 3 variant alleles, 3 heterozygotes.

PreventionGenetics, part of Exact Sciences
Classification: Likely benign for GPR179-related condition. Last evaluated: 2019-07-17. Review status: no assertion criteria provided. Collection method: clinical testing. Allele origin: germline. Not counted in ClinVar's aggregate classification.
Comment: This variant is classified as likely benign based on ACMG/AMP sequence variant interpretation guidelines (Richards et al. 2015 PMID: 25741868, with internal and published modifications).

NM_001004334.4(GPR179):c.959G>A (p.Arg320Gln)

Gene: GPR179 (G protein-coupled receptor 179; minus strand). Cytogenetic location: 17q12.
Variant type: single nucleotide variant.
Coding change: c.959G>A on transcript NM_001004334.4 (MANE Select); coding-DNA position 959, G replaced by A.
Protein change: p.Arg320Gln; replaces arginine 320 with glutamine.
Molecular consequence: missense variant.
Genome position (GRCh38, 1-based): chr17:38,337,665, C>T on the plus strand (G>A on the coding strand, the complement: GPR179 is on the minus strand). VCF-style: chr17-38337665-C-T. GRCh37 (hg19) VCF-style: chr17-36493548-C-T.
Other names: c.959G>A (NM_001004334.3); short protein forms R320Q.
Identifiers: ClinVar variation 196293 (VCV000196293.46), dbSNP rs189931659, ClinGen allele CA243201.